The following is an entry in ClinVar:

NM_000057.4(BLM):c.3305A>G (p.His1102Arg)

Gene: BLM (BLM RecQ like helicase; plus strand). Cytogenetic location: 15q26.1.
Variant type: single nucleotide variant.
Coding change: c.3305A>G on transcript NM_000057.4 (MANE Select); coding-DNA position 3305, A replaced by G.
Protein change: p.His1102Arg; replaces histidine 1102 with arginine.
Molecular consequence: missense variant.
Genome position (GRCh38, 1-based): chr15:90,798,284, A>G. VCF-style: chr15-90798284-A-G. GRCh37 (hg19) VCF-style: chr15-91341514-A-G.
Other names: c.3305A>G (NM_000057.2); c.3305A>G, p.His1102Arg (NM_001287246.2, NM_001287247.2); c.2180A>G, p.His727Arg (NM_001287248.2); short protein forms H1102R, H727R.
Identifiers: ClinVar variation 572192 (VCV000572192.11), dbSNP rs778994524, ClinGen allele CA7738983.

ClinVar aggregate classification (germline): Uncertain significance. Review status: criteria provided, multiple submitters, no conflicts (2 of 4 stars). 3 submissions from 3 submitters: Uncertain significance (2). 1 of the submissions does not count toward it. Last evaluated 2025-04-18.

Conditions:
Hereditary cancer-predisposing syndrome. Also called: Hereditary neoplastic syndrome; Tumor predisposition; Neoplastic Syndromes, Hereditary; Hereditary Cancer Syndrome. Identifiers: Orphanet 140162, MedGen C0027672, MeSH D009386, MONDO:0015356.
Bloom syndrome (BLM). Also called: Bloom-Torre-Machacek syndrome. Identifiers: Orphanet 125, MedGen C0005859, MONDO:0008876, OMIM 210900.

Allele frequency attached by ClinVar (database versions not stated): TOPMed below 0.00001; gnomAD exomes 0.00001 and 0.00002; ExAC 0.00002.
gnomAD v4.1: 3 of 1,612,880 alleles (0.00019%); highest among the groups gnomAD compares: East Asian, 0.0045%; no homozygotes.

Submissions (3):

Labcorp Genetics (formerly Invitae), Labcorp
Classification: Uncertain significance for Bloom syndrome. Last evaluated: 2025-04-18. Review status: criteria provided, single submitter. Criteria: Invitae Variant Classification Sherloc (09022015). Collection method: clinical testing. Allele origin: germline.
Comment: This sequence change replaces histidine, which is basic and polar, with arginine, which is basic and polar, at codon 1102 of the BLM protein (p.His1102Arg). This variant is present in population databases (rs778994524, gnomAD 0.02%). This variant has not been reported in the literature in individuals affected with BLM-related conditions. ClinVar contains an entry for this variant (Variation ID: 572192). An algorithm developed to predict the effect of missense changes on protein structure and function (PolyPhen-2) suggests that this variant is likely to be tolerated. In summary, the available evidence is currently insufficient to determine the role of this variant in disease. Therefore, it has been classified as a Variant of Uncertain Significance.

Ambry Genetics
Classification: Uncertain significance for Hereditary cancer-predisposing syndrome. Last evaluated: 2023-06-14. Review status: criteria provided, single submitter. Criteria: Ambry Variant Classification Scheme 2023. Collection method: clinical testing. Allele origin: germline.
Comment: The p.H1102R variant (also known as c.3305A>G), located in coding exon 16 of the BLM gene, results from an A to G substitution at nucleotide position 3305. The histidine at codon 1102 is replaced by arginine, an amino acid with highly similar properties. This amino acid position is conserved. In addition, this alteration is predicted to be tolerated by in silico analysis. Since supporting evidence is limited at this time, the clinical significance of this alteration remains unclear.

Natera, Inc.
Classification: Uncertain significance for Bloom syndrome. Last evaluated: 2021-04-28. Review status: no assertion criteria provided. Collection method: clinical testing. Allele origin: germline. Not counted in ClinVar's aggregate classification.